The following is an entry in ClinVar:

ClinVar aggregate classification (germline): Likely benign (1 of 4 stars; one submission).

Conditions:
Erythrocytosis, familial, 3 (ECYT3). Identifiers: Orphanet 247511, MedGen C1853286, MONDO:0012353, OMIM 609820.

Allele frequency attached by ClinVar (database versions not stated): 1000 Genomes Project 30x 0.00016; 1000 Genomes Project 0.00020; TOPMed 0.00136; gnomAD 0.00141 and 0.00143.

Submission:

Illumina Laboratory Services, Illumina
Classification: Likely benign for Erythrocytosis, familial, 3. Last evaluated: 2017-04-27. Review status: criteria provided, single submitter. Criteria: ICSL Variant Classification Criteria 13 December 2019. Collection method: clinical testing. Allele origin: germline.
Comment: This variant was observed as part of a predisposition screen in an ostensibly healthy population. A literature search was performed for the gene, cDNA change, and amino acid change (where applicable). No publications were found based on this search. Allele frequency data from public databases allowed determination this variant is unlikely to cause disease. Therefore, this variant is classified as likely benign.

NM_022051.3(EGLN1):c.*2043C>T

Gene: EGLN1 (egl-9 family hypoxia inducible factor 1; minus strand). Cytogenetic location: 1q42.2.
Variant type: single nucleotide variant.
Coding change: c.*2043C>T on transcript NM_022051.3 (MANE Select); 2043 bases downstream of the stop codon, C replaced by T.
Molecular consequence: 3 prime UTR variant.
Genome position (GRCh38, 1-based): chr1:231,364,368, G>A on the plus strand (C>T on the coding strand, the complement: EGLN1 is on the minus strand). VCF-style: chr1-231364368-G-A. GRCh37 (hg19) VCF-style: chr1-231500114-G-A.
Other names: c.*2104C>T (NM_001377260.1); c.*2149C>T (NM_001377261.1).
Identifiers: ClinVar variation 296149 (VCV000296149.5), dbSNP rs193073371, ClinGen allele CA10610274.